The following is an entry in ClinVar:

ClinVar aggregate classification (germline): Uncertain significance (1 of 4 stars; one submission).

Conditions:
Autosomal recessive spinocerebellar ataxia 12. Also called: SPINOCEREBELLAR ATAXIA WITH MENTAL RETARDATION AND EPILEPSY. Identifiers: Orphanet 284282, MedGen C3280452, MONDO:0013687, OMIM 614322.
Developmental and epileptic encephalopathy, 1 (DEE1). Also called: X-linked infantile spasms; West's syndrome; Tonic spasms with clustering, arrest of psychomotor development and hypsarrhythmia on EEG; X-Linked Infantile Spasm Syndrome; OHTAHARA SYNDROME, X-LINKED; Epileptic encephalopathy, early infantile, 1. Identifiers: MedGen C3463992, MONDO:0010632, OMIM 308350. Disease mechanism: loss of function.

Allele frequency attached by ClinVar (database versions not stated): gnomAD 0.00001.
gnomAD v4.1: 1 of 1,614,072 alleles (0.000062%); highest among the groups gnomAD compares: South Asian, 0.0011%; no homozygotes.

Submission:

Labcorp Genetics (formerly Invitae), Labcorp
Classification: Uncertain significance for Developmental and epileptic encephalopathy, 1; Autosomal recessive spinocerebellar ataxia 12. Last evaluated: 2022-06-20. Review status: criteria provided, single submitter. Criteria: Invitae Variant Classification Sherloc (09022015). Collection method: clinical testing. Allele origin: germline.
Comment: This variant is not present in population databases (gnomAD no frequency). This sequence change replaces glycine with arginine at codon 372 of the WWOX protein (p.Gly372Arg). The glycine residue is weakly conserved and there is a moderate physicochemical difference between glycine and arginine. In summary, the available evidence is currently insufficient to determine the role of this variant in disease. Therefore, it has been classified as a Variant of Uncertain Significance. Algorithms developed to predict the effect of missense changes on protein structure and function are either unavailable or do not agree on the potential impact of this missense change (SIFT: "Not Available"; PolyPhen-2: "Benign"; Align-GVGD: "Not Available"). This missense change has been observed in individual(s) with WWOX-related conditions (PMID: 24369382). It has also been observed to segregate with disease in related individuals.

Literature cited by the submitters: PubMed 24369382.

NM_016373.4(WWOX):c.1114G>A (p.Gly372Arg)

Genes: MAF (MAF bZIP transcription factor; minus strand), WWOX (WW domain containing oxidoreductase; plus strand). Cytogenetic location: 16q23.2.
Variant type: single nucleotide variant.
Coding change: c.1114G>A on transcript NM_016373.4 (MANE Select); coding-DNA position 1114, G replaced by A.
Protein change: p.Gly372Arg; replaces glycine 372 with arginine.
Molecular consequence: missense variant.
Genome position (GRCh38, 1-based): chr16:79,211,665, G>A. VCF-style: chr16-79211665-G-A. GRCh37 (hg19) VCF-style: chr16-79245562-G-A.
Other names: c.775G>A, p.Gly259Arg (NM_001291997.2); short protein forms G372R, G259R.
Identifiers: ClinVar variation 1390703 (VCV001390703.6), dbSNP rs587777127, ClinGen allele CA396537069.